The following is an entry in ClinVar:

NM_014521.3(SH3BP4):c.2685G>A (p.Ala895=)

Gene: SH3BP4 (SH3 domain binding protein 4; plus strand). Cytogenetic location: 2q37.2.
Variant type: single nucleotide variant.
Coding change: c.2685G>A on transcript NM_014521.3 (MANE Select); coding-DNA position 2685, G replaced by A.
Protein change: p.Ala895=; no amino-acid change (alanine 895 retained).
Molecular consequence: synonymous variant.
Genome position (GRCh38, 1-based): chr2:235,053,609, G>A. VCF-style: chr2-235053609-G-A. GRCh37 (hg19) VCF-style: chr2-235962253-G-A.
Other names: c.2685G>A, p.Ala895= (NM_001371302.1, NM_001371303.1, NM_001371304.1 and 2 more transcripts).
Identifiers: ClinVar variation 2652034 (VCV002652034.24), dbSNP rs199919152, ClinGen allele CA2184068.

ClinVar aggregate classification (germline): Likely benign (1 of 4 stars; one submission).

Allele frequency attached by ClinVar (database versions not stated): ESP Exome Variant Server 0.00008; gnomAD 0.00010; TOPMed 0.00011; ExAC 0.00012.
gnomAD v4.1: 200 of 1,613,922 alleles (0.012%); highest among the groups gnomAD compares: Middle Eastern, 0.066%; no homozygotes.

Submission:

CeGaT Center for Human Genetics Tuebingen
Classification: Likely benign. Last evaluated: 2022-03-01. Review status: criteria provided, single submitter. Criteria: CeGaT Center For Human Genetics Tuebingen Variant Classification Criteria Version 2. Collection method: clinical testing. Allele origin: germline. Affected: yes. Observed: 1 variant allele.
Comment: SH3BP4: BP4, BP7